The following is an entry in ClinVar:

NM_000179.3(MSH6):c.3679A>G (p.Ile1227Val)

Gene: MSH6 (mutS homolog 6; plus strand). Cytogenetic location: 2p16.3.
Variant type: single nucleotide variant.
Coding change: c.3679A>G on transcript NM_000179.3 (MANE Select); coding-DNA position 3679, A replaced by G.
Protein change: p.Ile1227Val; replaces isoleucine 1227 with valine.
Molecular consequence: missense variant.
Genome position (GRCh38, 1-based): chr2:47,806,236, A>G. VCF-style: chr2-47806236-A-G. GRCh37 (hg19) VCF-style: chr2-48033375-A-G.
Other names: c.3289A>G, p.Ile1097Val (NM_001281492.2); c.2773A>G, p.Ile925Val (NM_001281493.2, NM_001281494.2); short protein forms I1227V, I1097V, I925V.
Identifiers: ClinVar variation 573894 (VCV000573894.16), dbSNP rs587779282, ClinGen allele CA346760896.
Genomic context (GRCh38, chr2:47,806,236, plus strand): 5'-CTTCCTTATGCATATTTTACTTTAACAGGAAGAGGTACTGCAACATTTGATGGGACGGCA[A>G]TAGCAAATGCAGTTGTTAAAGAACTTGCTGAGACTATAAAATGTCGTACATTATTTTCAA-3'
Protein context (NP_000170.1, residues 1217-1237): RGTATFDGTA[Ile1227Val]ANAVVKELAE

ClinVar aggregate classification (germline): Uncertain significance. Review status: criteria provided, multiple submitters, no conflicts (2 of 4 stars). 5 submissions from 5 submitters: Uncertain significance (5). Last evaluated 2025-11-01.

Conditions:
Lynch syndrome. Identifiers: Orphanet 144, MedGen C4552100, MONDO:0005835. Disease mechanism: loss of function.
Hereditary cancer-predisposing syndrome. Also called: Hereditary neoplastic syndrome; Neoplastic Syndromes, Hereditary; Hereditary Cancer Syndrome; Tumor predisposition. Identifiers: Orphanet 140162, MedGen C0027672, MeSH D009386, MONDO:0015356.
Hereditary nonpolyposis colorectal neoplasms. Identifiers: MedGen C0009405, MeSH D003123.

gnomAD v4.1: 1 of 1,614,112 alleles (0.000062%); highest among the groups gnomAD compares: Non-Finnish European, 0.000085%; no homozygotes.

Submissions (5):

Labcorp Genetics (formerly Invitae), Labcorp
Classification: Uncertain significance for Hereditary nonpolyposis colorectal neoplasms. Last evaluated: 2025-11-01. Review status: criteria provided, single submitter. Criteria: Invitae Variant Classification Sherloc (09022015). Collection method: clinical testing. Allele origin: germline.
Comment: This sequence change replaces isoleucine, which is neutral and non-polar, with valine, which is neutral and non-polar, at codon 1227 of the MSH6 protein (p.Ile1227Val). This variant is not present in population databases (gnomAD no frequency). This variant has not been reported in the literature in individuals affected with MSH6-related conditions. ClinVar contains an entry for this variant (Variation ID: 573894). Invitae Evidence Modeling of protein sequence and biophysical properties (such as structural, functional, and spatial information, amino acid conservation, physicochemical variation, residue mobility, and thermodynamic stability) indicates that this missense variant is not expected to disrupt MSH6 protein function with a negative predictive value of 95%. In summary, the available evidence is currently insufficient to determine the role of this variant in disease. Therefore, it has been classified as a Variant of Uncertain Significance.

Ambry Genetics
Classification: Uncertain significance for Hereditary cancer-predisposing syndrome. Last evaluated: 2025-04-17. Review status: criteria provided, single submitter. Criteria: Ambry Variant Classification Scheme 2023. Collection method: clinical testing. Allele origin: germline.
Comment: The p.I1227V variant (also known as c.3679A>G), located in coding exon 8 of the MSH6 gene, results from an A to G substitution at nucleotide position 3679. The isoleucine at codon 1227 is replaced by valine, an amino acid with highly similar properties. This variant was identified in a cohort of 3,579 African males diagnosed with prostate cancer who underwent multi-gene panel testing of 19 DNA repair and cancer predisposition genes (Matejcic M et al. JCO Precis Oncol, 2020 Jan;4:32-43). This amino acid position is highly conserved in available vertebrate species. In addition, this alteration is predicted to be deleterious by in silico analysis. Based on the available evidence, the clinical significance of this variant remains unclear.

All of Us Research Program, National Institutes of Health
Classification: Uncertain significance for Lynch syndrome. Last evaluated: 2024-09-25. Review status: criteria provided, single submitter. Criteria: ACMG Guidelines, 2015. Collection method: clinical testing. Allele origin: germline. Inheritance: Autosomal dominant inheritance. Observed: 1 variant allele, 1 heterozygote.
Comment: This study involves interpretation of variants in research participants for the purpose of population health screening. Participant phenotype was not available at the time of variant classification. Additional details can be found in publication PMID: 35346344, PMCID: PMC8962531

Blueprint Genetics
Classification: Uncertain significance. Last evaluated: 2021-04-13. Review status: criteria provided, single submitter. Criteria: ACMG Guidelines, 2015. Collection method: clinical testing. Allele origin: germline.

Color Diagnostics, LLC DBA Color Health
Classification: Uncertain significance for Hereditary cancer-predisposing syndrome. Last evaluated: 2018-10-24. Review status: criteria provided, single submitter. Criteria: ACMG Guidelines, 2015. Collection method: clinical testing. Allele origin: germline.

Literature cited by the submitters: PubMed 32832836 (cited by Ambry Genetics).